The following is an entry in ClinVar:

ClinVar aggregate classification (germline): Likely benign. Review status: criteria provided, multiple submitters, no conflicts (2 of 4 stars). 3 submissions from 3 submitters: Likely benign (2). 1 of the submissions does not count toward it. Last evaluated 2025-10-02.

Conditions:
MRPS23-related disorder. Also called: MRPS23-related condition.

Allele frequency attached by ClinVar (database versions not stated): gnomAD exomes 0.00003 and 0.00010; ExAC 0.00009; gnomAD 0.00022 and 0.00024; TOPMed 0.00038; ESP Exome Variant Server 0.00062.

Submissions (3):

Labcorp Genetics (formerly Invitae), Labcorp
Classification: Likely benign. Last evaluated: 2025-10-02. Review status: criteria provided, single submitter. Criteria: Invitae Variant Classification Sherloc (09022015). Collection method: clinical testing. Allele origin: germline.

CeGaT Center for Human Genetics Tuebingen
Classification: Likely benign. Last evaluated: 2025-10-01. Review status: criteria provided, single submitter. Criteria: CeGaT Center For Human Genetics Tuebingen Variant Classification Criteria Version 2. Collection method: clinical testing. Allele origin: germline. Affected: yes. Observed: 1 variant allele.
Comment: MRPS23: BP4, BP7

PreventionGenetics, part of Exact Sciences
Classification: Likely benign for MRPS23-related condition. Last evaluated: 2019-11-07. Review status: no assertion criteria provided. Collection method: clinical testing. Allele origin: germline. Not counted in ClinVar's aggregate classification.
Comment: This variant is classified as likely benign based on ACMG/AMP sequence variant interpretation guidelines (Richards et al. 2015 PMID: 25741868, with internal and published modifications).

NM_016070.4(MRPS23):c.63G>T (p.Arg21=)

Gene: MRPS23 (mitochondrial ribosomal protein S23; minus strand). Cytogenetic location: 17q22.
Variant type: single nucleotide variant.
Coding change: c.63G>T on transcript NM_016070.4 (MANE Select); coding-DNA position 63, G replaced by T.
Protein change: p.Arg21=; no amino-acid change (arginine 21 retained).
Molecular consequence: synonymous variant.
Genome position (GRCh38, 1-based): chr17:57,849,392, C>A on the plus strand (G>T on the coding strand, the complement: MRPS23 is on the minus strand). VCF-style: chr17-57849392-C-A. GRCh37 (hg19) VCF-style: chr17-55926753-C-A.
Other names: c.63G>T (NM_016070.3).
Identifiers: ClinVar variation 1632663 (VCV001632663.16), dbSNP rs145300115, ClinGen allele CA8666800.